The following is an entry in ClinVar:

ClinVar aggregate classification (germline): Uncertain significance (1 of 4 stars; one submission).

Allele frequency attached by ClinVar (database versions not stated): gnomAD exomes below 0.00001.
gnomAD v4.1: 1 of 1,614,042 alleles (0.000062%); highest among the groups gnomAD compares: Non-Finnish European, 0.000085%; no homozygotes.

Submission:

Greenwood Genetic Center Diagnostic Laboratories, Greenwood Genetic Center
Classification: Uncertain significance. Last evaluated: 2022-10-06. Review status: criteria provided, single submitter. Criteria: ACMG Guidelines, 2015. Collection method: clinical testing. Allele origin: germline. Affected: yes.
Comment: PM2

NM_182961.4(SYNE1):c.21263T>G (p.Leu7088Trp)

Gene: SYNE1 (spectrin repeat containing nuclear envelope protein 1; minus strand). Cytogenetic location: 6q25.2.
Variant type: single nucleotide variant.
Coding change: c.21263T>G on transcript NM_182961.4 (MANE Select); coding-DNA position 21263, T replaced by G.
Protein change: p.Leu7088Trp; replaces leucine 7088 with tryptophan.
Molecular consequence: missense variant.
Genome position (GRCh38, 1-based): chr6:152,225,809, A>C on the plus strand (T>G on the coding strand, the complement: SYNE1 is on the minus strand). VCF-style: chr6-152225809-A-C. GRCh37 (hg19) VCF-style: chr6-152546944-A-C.
Other names: c.21050T>G, p.Leu7017Trp (NM_033071.5); short protein forms L7017W, L7088W.
Identifiers: ClinVar variation 2429035 (VCV002429035.4), dbSNP rs2081448086, ClinGen allele CA366109601.